The following is an entry in ClinVar:

ClinVar aggregate classification (germline): Uncertain significance (1 of 4 stars; one submission).

Conditions:
DICER1-related tumor predisposition. Also called: DICER1-related pleuropulmonary blastoma cancer predisposition syndrome; DICER1 syndrome. Identifiers: Orphanet 284343, MedGen C3839822, MONDO:0100216.

Submission:

Labcorp Genetics (formerly Invitae), Labcorp
Classification: Uncertain significance for DICER1-related tumor predisposition. Last evaluated: 2025-06-08. Review status: criteria provided, single submitter. Criteria: Invitae Variant Classification Sherloc (09022015). Collection method: clinical testing. Allele origin: germline.
Comment: This sequence change replaces tyrosine, which is neutral and polar, with serine, which is neutral and polar, at codon 819 of the DICER1 protein (p.Tyr819Ser). This variant is not present in population databases (gnomAD no frequency). This variant has not been reported in the literature in individuals affected with DICER1-related conditions. Invitae Evidence Modeling of protein sequence and biophysical properties (such as structural, functional, and spatial information, amino acid conservation, physicochemical variation, residue mobility, and thermodynamic stability) indicates that this missense variant is expected to disrupt DICER1 protein function with a positive predictive value of 95%. In summary, the available evidence is currently insufficient to determine the role of this variant in disease. Therefore, it has been classified as a Variant of Uncertain Significance.

NM_177438.3(DICER1):c.2456A>C (p.Tyr819Ser)

Gene: DICER1 (dicer 1, ribonuclease III; minus strand). Cytogenetic location: 14q32.13.
Variant type: single nucleotide variant.
Coding change: c.2456A>C on transcript NM_177438.3 (MANE Select); coding-DNA position 2456, A replaced by C.
Protein change: p.Tyr819Ser; replaces tyrosine 819 with serine.
Molecular consequence: missense variant. On other transcripts: non-coding transcript variant (6).
Genome position (GRCh38, 1-based): chr14:95,108,074, T>G on the plus strand (A>C on the coding strand, the complement: DICER1 is on the minus strand). VCF-style: chr14-95108074-T-G. GRCh37 (hg19) VCF-style: chr14-95574411-T-G.
Other names: c.2456A>C, p.Tyr819Ser (NM_001195573.1, NM_001271282.3, NM_001291628.2 and 12 more transcripts); c.2174A>C, p.Tyr725Ser (NM_001395686.1); c.2051A>C, p.Tyr684Ser (NM_001395687.1, NM_001395688.1, NM_001395689.1 and 2 more transcripts); c.1889A>C, p.Tyr630Ser (NM_001395691.1); c.773A>C, p.Tyr258Ser (NM_001395697.1); short protein forms Y684S, Y258S, Y725S, Y630S, Y819S.
Identifiers: ClinVar variation 4746838 (VCV004746838.1).